The following is an entry in ClinVar:

ClinVar aggregate classification (germline): Uncertain significance (1 of 4 stars; one submission).

Conditions:
Inborn genetic diseases. Identifiers: MedGen C0950123, MeSH D030342.

Submission:

Ambry Genetics
Classification: Uncertain significance for Inborn genetic diseases. Last evaluated: 2025-06-10. Review status: criteria provided, single submitter. Criteria: Ambry Variant Classification Scheme 2023. Collection method: clinical testing. Allele origin: germline.
Comment: The p.I917N variant (also known as c.2750T>A), located in coding exon 14 of the FANCM gene, results from a T to A substitution at nucleotide position 2750. The isoleucine at codon 917 is replaced by asparagine, an amino acid with dissimilar properties. This amino acid position is conserved. In addition, this alteration is predicted to be tolerated by in silico analysis. Based on the available evidence, the clinical significance of this variant remains unclear.

NM_020937.4(FANCM):c.2750T>A (p.Ile917Asn)

Gene: FANCM (FA complementation group M; plus strand). Cytogenetic location: 14q21.2.
Variant type: single nucleotide variant.
Coding change: c.2750T>A on transcript NM_020937.4 (MANE Select); coding-DNA position 2750, T replaced by A.
Protein change: p.Ile917Asn; replaces isoleucine 917 with asparagine.
Molecular consequence: missense variant.
Genome position (GRCh38, 1-based): chr14:45,175,504, T>A. VCF-style: chr14-45175504-T-A. GRCh37 (hg19) VCF-style: chr14-45644707-T-A.
Other names: c.2672T>A, p.Ile891Asn (NM_001308133.2); short protein forms I891N, I917N.
Identifiers: ClinVar variation 4022875 (VCV004022875.1).